The following is an entry in ClinVar:

ClinVar aggregate classification (germline): Uncertain significance (1 of 4 stars; one submission).

Conditions:
Inborn genetic diseases. Identifiers: MedGen C0950123, MeSH D030342.

Submission:

Ambry Genetics
Classification: Uncertain significance for Inborn genetic diseases. Last evaluated: 2025-10-14. Review status: criteria provided, single submitter. Criteria: Ambry Variant Classification Scheme 2023. Collection method: clinical testing. Allele origin: germline.
Comment: The p.L39F variant (also known as c.117A>T), located in coding exon 2 of the DDX41 gene, results from an A to T substitution at nucleotide position 117. The leucine at codon 39 is replaced by phenylalanine, an amino acid with highly similar properties. This amino acid position is conserved. In addition, this alteration is predicted to be tolerated by in silico analysis. Based on the available evidence, the clinical significance of this variant remains unclear.

NM_016222.4(DDX41):c.117A>T (p.Leu39Phe)

Gene: DDX41 (DEAD-box helicase 41; minus strand). Cytogenetic location: 5q35.3.
Variant type: single nucleotide variant.
Coding change: c.117A>T on transcript NM_016222.4 (MANE Select); coding-DNA position 117, A replaced by T.
Protein change: p.Leu39Phe; replaces leucine 39 with phenylalanine.
Molecular consequence: missense variant. On other transcripts: 5 prime UTR variant (2).
Genome position (GRCh38, 1-based): chr5:177,516,746, T>A on the plus strand (A>T on the coding strand, the complement: DDX41 is on the minus strand). VCF-style: chr5-177516746-T-A. GRCh37 (hg19) VCF-style: chr5-176943747-T-A.
Other names: c.-539A>T (NM_001321732.2); c.-331A>T (NM_001321830.2); short protein forms L39F.
Identifiers: ClinVar variation 4617153 (VCV004617153.1).